The following is an entry in ClinVar:

ClinVar aggregate classification (germline): Likely benign. Review status: criteria provided, multiple submitters, no conflicts (2 of 4 stars). 3 submissions from 3 submitters: Likely benign (2). 1 of the submissions does not count toward it. Last evaluated 2024-12-09.

Conditions:
Cardiovascular phenotype. Identifiers: MedGen CN230736.
ZNF469-related disorder. Also called: ZNF469-related condition.

Allele frequency attached by ClinVar (database versions not stated): gnomAD 0.00001; TOPMed 0.00002; 1000 Genomes Project 30x 0.00016.
gnomAD v4.1: 11 of 1,508,508 alleles (0.00073%); highest among the groups gnomAD compares: South Asian, 0.0099%; no homozygotes.

Submissions (3):

Ambry Genetics
Classification: Likely benign for Cardiovascular phenotype. Last evaluated: 2024-12-09. Review status: criteria provided, single submitter. Criteria: Ambry Variant Classification Scheme 2023. Collection method: clinical testing. Allele origin: germline.

Labcorp Genetics (formerly Invitae), Labcorp
Classification: Likely benign. Last evaluated: 2024-02-01. Review status: criteria provided, single submitter. Criteria: Invitae Variant Classification Sherloc (09022015). Collection method: clinical testing. Allele origin: germline.

PreventionGenetics, part of Exact Sciences
Classification: Likely benign for ZNF469-related condition. Last evaluated: 2019-07-12. Review status: no assertion criteria provided. Collection method: clinical testing. Allele origin: germline. Not counted in ClinVar's aggregate classification.
Comment: This variant is classified as likely benign based on ACMG/AMP sequence variant interpretation guidelines (Richards et al. 2015 PMID: 25741868, with internal and published modifications).

NM_001367624.2(ZNF469):c.3288G>C (p.Ser1096=)

Gene: ZNF469 (zinc finger protein 469; plus strand). Cytogenetic location: 16q24.2.
Variant type: single nucleotide variant.
Coding change: c.3288G>C on transcript NM_001367624.2 (MANE Select); coding-DNA position 3288, G replaced by C.
Protein change: p.Ser1096=; no amino-acid change (serine 1096 retained).
Molecular consequence: synonymous variant.
Genome position (GRCh38, 1-based): chr16:88,430,758, G>C. VCF-style: chr16-88430758-G-C. GRCh37 (hg19) VCF-style: chr16-88497166-G-C.
Other names: NM_001127464.2:c.3204G>C; NM_001127464.1:c.3204G>C.
Identifiers: ClinVar variation 1934200 (VCV001934200.8), dbSNP rs1323924882, ClinGen allele CA497354065.
Genomic context (GRCh38, chr16:88,430,758, plus strand): 5'-GGCGGGGAGGCCCCGGCCCGGAGCTGAGGACCGCAGGCTCCGCGAGTACGACTTCGCCTC[G>C]GAGTCCGAGGAGGACGAGCAGCCTCCGCCGCGGGGCCCCGGCTTCAGAGGCCGGCGGGGC-3'
Protein context (NP_001354553.1, residues 1086-1106): DRRLREYDFA[Ser1096=]ESEEDEQPPP